The following is an entry in ClinVar:

NM_001378969.1(KCND3):c.1371+5G>T

Gene: KCND3 (potassium voltage-gated channel subfamily D member 3; minus strand). Cytogenetic location: 1p13.2.
Variant type: single nucleotide variant.
Coding change: c.1371+5G>T on transcript NM_001378969.1 (MANE Select); 5 bases into the intron after coding-DNA position 1371, G replaced by T.
Molecular consequence: intron variant.
Genome position (GRCh38, 1-based): chr1:111,780,685, C>A on the plus strand (G>T on the coding strand, the complement: KCND3 is on the minus strand). VCF-style: chr1-111780685-C-A. GRCh37 (hg19) VCF-style: chr1-112323307-C-A.
Other names: c.1371+5G>T (NM_001378970.1, NM_172198.3, NM_004980.5).
Identifiers: ClinVar variation 1510302 (VCV001510302.6), dbSNP rs1178012198, ClinGen allele CA525359464.

ClinVar aggregate classification (germline): Uncertain significance (1 of 4 stars; one submission).

Conditions:
Spinocerebellar ataxia type 19/22 (SCA19). Also called: SPINOCEREBELLAR ATAXIA 19; SPINOCEREBELLAR ATAXIA 22. Identifiers: Orphanet 98772, MedGen C1846367, MONDO:0011819, OMIM 607346.

Allele frequency attached by ClinVar (database versions not stated): gnomAD exomes below 0.00001.
gnomAD v4.1: 1 of 1,605,926 alleles (0.000062%); highest among the groups gnomAD compares: Non-Finnish European, 0.000085%; no homozygotes.

Submission:

Labcorp Genetics (formerly Invitae), Labcorp
Classification: Uncertain significance for Spinocerebellar ataxia type 19/22. Last evaluated: 2021-07-07. Review status: criteria provided, single submitter. Criteria: Invitae Variant Classification Sherloc (09022015). Collection method: clinical testing. Allele origin: germline.
Comment: This sequence change falls in intron 4 of the KCND3 gene. It does not directly change the encoded amino acid sequence of the KCND3 protein. It affects a nucleotide within the consensus splice site of the intron. This variant is not present in population databases (ExAC no frequency). This variant has not been reported in the literature in individuals affected with KCND3-related conditions. Nucleotide substitutions within the consensus splice site are a relatively common cause of aberrant splicing (PMID: 17576681, 9536098). Algorithms developed to predict the effect of sequence changes on RNA splicing suggest that this variant may disrupt the consensus splice site. In summary, the available evidence is currently insufficient to determine the role of this variant in disease. Therefore, it has been classified as a Variant of Uncertain Significance.

Literature cited by the submitters: PubMed 17576681; PubMed 9536098.